The following is an entry in ClinVar:

ClinVar aggregate classification (germline): Uncertain significance (1 of 4 stars; one submission).

Conditions:
Brown-Vialetto-van Laere syndrome 2. Also called: SPINOCEREBELLAR ATAXIA WITH BLINDNESS AND DEAFNESS 2; Riboflavin transporter deficiency type 2. Identifiers: Orphanet 572543, Orphanet 97229, MedGen C3553538, MONDO:0013867, OMIM 614707.

Submission:

Labcorp Genetics (formerly Invitae), Labcorp
Classification: Uncertain significance for Brown-Vialetto-Van Laere syndrome 2. Last evaluated: 2019-04-23. Review status: criteria provided, single submitter. Criteria: Invitae Variant Classification Sherloc (09022015). Collection method: clinical testing. Allele origin: germline.
Comment: This variant results in a copy number gain of the genomic region encompassing the full coding sequence of the SLC52A2 gene. The boundaries of this event are unknown as they extend beyond the assayed region for this gene and therefore may encompass additional genes. As the precise location of this event is unknown, it may be in tandem or it may be located elsewhere in the genome. This variant has not been reported in the literature in individuals with SLC52A2-related conditions. In summary, the available evidence is currently insufficient to determine the role of this variant in disease. Therefore, it has been classified as a Variant of Uncertain Significance.

NC_000008.11:g.(?_144358571)_(144361296_?)dup

Gene: SLC52A2 (solute carrier family 52 member 2; plus strand). Cytogenetic location: 8q24.3.
Variant type: Duplication.
Identifiers: ClinVar variation 831135 (VCV000831135.1).